The following is an entry in ClinVar:

NM_001365276.2(TNXB):c.4723C>G (p.Pro1575Ala)

Gene: TNXB (tenascin XB; minus strand). Cytogenetic location: 6p21.33.
Variant type: single nucleotide variant.
Coding change: c.4723C>G on transcript NM_001365276.2 (MANE Select); coding-DNA position 4723, C replaced by G.
Protein change: p.Pro1575Ala; replaces proline 1575 with alanine.
Molecular consequence: missense variant.
Genome position (GRCh38, 1-based): chr6:32,072,257, G>C on the plus strand (C>G on the coding strand, the complement: TNXB is on the minus strand). VCF-style: chr6-32072257-G-C. GRCh37 (hg19) VCF-style: chr6-32040034-G-C.
Other names: c.5464C>G, p.Pro1822Ala (NM_001428335.1); c.4723C>G, p.Pro1575Ala (NM_019105.8); short protein forms P1575A, P1822A.
Identifiers: ClinVar variation 4826797 (VCV004826797.1).
Genomic context (GRCh38, chr6:32,072,257, plus strand): 5'-GGCCCACAGAGTCAGGGGTTATATCCGTCACTGTCAGCTCCCCTAGGCGTGGCTCCAGGG[G>C]AGGCTTGGAGGCCTCTGTGGCTGGGGCTGGTGGGAGGGGAGCTGGGATTTGGGAAGACAA-3'
Protein context (NP_001352205.1, residues 1565-1585): PAPATEASKP[Pro1575Ala]LEPRLGELTV

ClinVar aggregate classification (germline): Uncertain significance (1 of 4 stars; one submission).

Conditions:
Cardiovascular phenotype. Identifiers: MedGen CN230736.

Submission:

Ambry Genetics
Classification: Uncertain significance for Cardiovascular phenotype. Last evaluated: 2026-02-22. Review status: criteria provided, single submitter. Criteria: Ambry Variant Classification Scheme 2023. Collection method: clinical testing. Allele origin: germline.
Comment: The p.P1575A variant (also known as c.4723C>G), located in coding exon 12 of the TNXB gene, results from a C to G substitution at nucleotide position 4723. The proline at codon 1575 is replaced by alanine, an amino acid with highly similar properties. This amino acid position is conserved. In addition, this alteration is predicted to be tolerated by in silico analysis. Based on the available evidence, the clinical significance of this variant remains unclear.